The following is an entry in ClinVar:

ClinVar aggregate classification (germline): Uncertain significance (1 of 4 stars; one submission).

Conditions:
Ehlers-Danlos syndrome, type 4 (EDSVASC). Also called: Ehlers-Danlos Syndrome Type IV; Ehlers-Danlos syndrome vascular type; Ehlers Danlos syndrome, ecchymotic type; Ehlers Danlos syndrome, arterial type; Ehlers Danlos syndrome, Sack-Barabas type. Identifiers: Orphanet 286, MedGen C0268338, MONDO:0017314, OMIM 130050.

Submission:

All of Us Research Program, National Institutes of Health
Classification: Uncertain significance for Ehlers-Danlos syndrome, type 4. Last evaluated: 2023-02-24. Review status: criteria provided, single submitter. Criteria: ACMG Guidelines, 2015. Collection method: clinical testing. Allele origin: germline. Inheritance: Autosomal dominant inheritance. Observed: 1 variant allele, 1 heterozygote.
Comment: This missense variant replaces proline with threonine at codon 599 of the COL3A1 protein. Computational prediction suggests that this variant may not impact protein structure and function (internally defined REVEL score threshold <= 0.5, PMID: 27666373). To our knowledge, functional studies have not been reported for this variant. This variant has not been reported in individuals affected with COL3A1-related disorders in the literature. This variant has not been identified in the general population by the Genome Aggregation Database (gnomAD). The available evidence is insufficient to determine the role of this variant in disease conclusively. Therefore, this variant is classified as a Variant of Uncertain Significance.

This study involves interpretation of variants in research participants for the purpose of population health screening. Participant phenotype was not available at the time of variant classification. Additional details can be found in publication PMID: 35346344, PMCID: PMC8962531

NM_000090.4(COL3A1):c.1795C>A (p.Pro599Thr)

Gene: COL3A1 (collagen type III alpha 1 chain; plus strand). Cytogenetic location: 2q32.2.
Variant type: single nucleotide variant.
Coding change: c.1795C>A on transcript NM_000090.4 (MANE Select); coding-DNA position 1795, C replaced by A.
Protein change: p.Pro599Thr; replaces proline 599 with threonine.
Molecular consequence: missense variant.
Genome position (GRCh38, 1-based): chr2:188,997,198, C>A. VCF-style: chr2-188997198-C-A. GRCh37 (hg19) VCF-style: chr2-189861924-C-A.
Other names: short protein forms P599T.
Identifiers: ClinVar variation 3069663 (VCV003069663.1), dbSNP rs2469137709, ClinGen allele CA349853278.
Genomic context (GRCh38, chr2:188,997,198, plus strand): 5'-AGTAAATACCGACCACTTCTTCTTTAGGGTGCTCCTGGTAAGAATGGAGAACGAGGTGGC[C>A]CTGGAGGACCTGGCCCTCAGGTACGTAGCTTTCCTCAATTTATTTCTAGCCTTCTAATAG-3'
Protein context (NP_000081.2, residues 589-609): APGKNGERGG[Pro599Thr]GGPGPQGPPG